The following is an entry in ClinVar:

ClinVar aggregate classification (germline): Uncertain significance. Review status: criteria provided, multiple submitters, no conflicts (2 of 4 stars). 2 submissions from 2 submitters: Uncertain significance (2). Last evaluated 2025-05-05.

gnomAD v4.1: 42 of 1,613,842 alleles (0.0026%); highest among the groups gnomAD compares: African/African-American, 0.008%; no homozygotes.

Submissions (2):

Labcorp Genetics (formerly Invitae), Labcorp
Classification: Uncertain significance. Last evaluated: 2025-05-05. Review status: criteria provided, single submitter. Criteria: Invitae Variant Classification Sherloc (09022015). Collection method: clinical testing. Allele origin: germline.
Comment: This sequence change replaces alanine, which is neutral and non-polar, with threonine, which is neutral and polar, at codon 659 of the TRAP1 protein (p.Ala659Thr). This variant is present in population databases (rs764916149, gnomAD 0.004%). This variant has not been reported in the literature in individuals affected with TRAP1-related conditions. ClinVar contains an entry for this variant (Variation ID: 3624158). An algorithm developed to predict the effect of missense changes on protein structure and function (PolyPhen-2) suggests that this variant is likely to be tolerated. In summary, the available evidence is currently insufficient to determine the role of this variant in disease. Therefore, it has been classified as a Variant of Uncertain Significance.

Ambry Genetics
Classification: Uncertain significance. Last evaluated: 2025-03-11. Review status: criteria provided, single submitter. Criteria: Ambry Variant Classification Scheme 2023. Collection method: clinical testing. Allele origin: germline.

NM_016292.3(TRAP1):c.1975G>A (p.Ala659Thr)

Genes: DNASE1 (deoxyribonuclease 1; plus strand), TRAP1 (TNF receptor associated protein 1; minus strand). Cytogenetic location: 16p13.3.
Variant type: single nucleotide variant.
Coding change: c.1975G>A on transcript NM_016292.3 (MANE Select); coding-DNA position 1975, G replaced by A.
Protein change: p.Ala659Thr; replaces alanine 659 with threonine.
Molecular consequence: missense variant. On other transcripts: intron variant (1).
Genome position (GRCh38, 1-based): chr16:3,658,831, C>T on the plus strand (G>A on the coding strand, the complement: TRAP1 is on the minus strand). VCF-style: chr16-3658831-C-T. GRCh37 (hg19) VCF-style: chr16-3708832-C-T.
Other names: c.1816G>A, p.Ala606Thr (NM_001272049.2); c.*21+964C>T (NM_001387140.1); short protein forms A606T, A659T.
Identifiers: ClinVar variation 3624158 (VCV003624158.3).